The following is an entry in ClinVar:

ClinVar aggregate classification (germline): Conflicting classifications of pathogenicity. Review status: criteria provided, conflicting classifications (1 of 4 stars). 3 submissions from 3 submitters: Pathogenic (1); Likely pathogenic (1); Uncertain significance (1). Last evaluated 2021-11-19.

Conditions:
Severe early-childhood-onset retinal dystrophy (STGD1). Also called: STGD; Stargardt macular dystrophy; Juvenile onset macular degeneration; Stargardt disease 1; MACULAR DYSTROPHY WITH FLECKS, TYPE 1. Identifiers: Orphanet 364055, Orphanet 827, MedGen C1855465, MeSH D000080362, MONDO:0009549, OMIM 248200.

Allele frequency attached by ClinVar (database versions not stated): gnomAD exomes below 0.00001.
gnomAD v4.1: 2 of 1,613,976 alleles (0.00012%); highest among the groups gnomAD compares: Admixed American, 0.0017%; no homozygotes.

Submissions (3):

Labcorp Genetics (formerly Invitae), Labcorp
Classification: Pathogenic. Last evaluated: 2021-11-19. Review status: criteria provided, single submitter. Criteria: Invitae Variant Classification Sherloc (09022015). Collection method: clinical testing. Allele origin: germline.
Comment: ClinVar contains an entry for this variant (Variation ID: 1048125). This missense change has been observed in individual(s) with Stargardt disease (PMID: 33546218). In at least one individual the data is consistent with the variant being in trans (on the opposite chromosome) from a pathogenic variant. This variant is present in population databases (no rsID available, gnomAD 0.003%). This sequence change replaces tryptophan, which is neutral and slightly polar, with cysteine, which is neutral and slightly polar, at codon 1461 of the ABCA4 protein (p.Trp1461Cys). For these reasons, this variant has been classified as Pathogenic. Advanced modeling of protein sequence and biophysical properties (such as structural, functional, and spatial information, amino acid conservation, physicochemical variation, residue mobility, and thermodynamic stability) performed at Invitae indicates that this missense variant is expected to disrupt ABCA4 protein function.

Institute of Medical Molecular Genetics, University of Zurich
Classification: Likely pathogenic for Severe early-childhood-onset retinal dystrophy. Last evaluated: 2021-01-30. Review status: criteria provided, single submitter. Criteria: ACMG Guidelines, 2015. Collection method: clinical testing. Allele origin: germline. Affected: yes.

Blueprint Genetics
Classification: Uncertain significance. Last evaluated: 2019-10-04. Review status: criteria provided, single submitter. Criteria: ACMG Guidelines, 2015. Collection method: clinical testing. Allele origin: germline.

Literature cited by the submitters: PubMed 33546218 (cited by Labcorp Genetics (formerly Invitae), Labcorp).

NM_000350.3(ABCA4):c.4383G>C (p.Trp1461Cys)

Gene: ABCA4 (ATP binding cassette subfamily A member 4; minus strand). Cytogenetic location: 1p22.1.
Variant type: single nucleotide variant.
Coding change: c.4383G>C on transcript NM_000350.3 (MANE Select); coding-DNA position 4383, G replaced by C.
Protein change: p.Trp1461Cys; replaces tryptophan 1461 with cysteine.
Molecular consequence: missense variant.
Genome position (GRCh38, 1-based): chr1:94,029,601, C>G on the plus strand (G>C on the coding strand, the complement: ABCA4 is on the minus strand). VCF-style: chr1-94029601-C-G. GRCh37 (hg19) VCF-style: chr1-94495157-C-G.
Other names: c.4161G>C, p.Trp1387Cys (NM_001425324.1); short protein forms W1461C, W1387C.
Identifiers: ClinVar variation 1048125 (VCV001048125.8), dbSNP rs1347261858, ClinGen allele CA341285265.
Genomic context (GRCh38, chr1:94,029,601, plus strand): 5'-CTGTGTCCATTTCTGCTTCTGGAACAGCTGGGTGATGTTTGGGGACACAGAAGGAGTCTT[C>G]CAGGGTGTTGAGTTGCCACAGGGGTACTCCCTCATGGAAGACAAGAAAATATTCCATAAT-3'
Protein context (NP_000341.2, residues 1451-1471): PEYPCGNSTP[Trp1461Cys]KTPSVSPNIT